The following is an entry in ClinVar:

NM_006206.6(PDGFRA):c.184T>C (p.Ser62Pro)

Gene: PDGFRA (platelet derived growth factor receptor alpha; plus strand). Cytogenetic location: 4q12.
Variant type: single nucleotide variant.
Coding change: c.184T>C on transcript NM_006206.6 (MANE Select); coding-DNA position 184, T replaced by C.
Protein change: p.Ser62Pro; replaces serine 62 with proline.
Molecular consequence: missense variant.
Genome position (GRCh38, 1-based): chr4:54,261,229, T>C. VCF-style: chr4-54261229-T-C. GRCh37 (hg19) VCF-style: chr4-55127396-T-C.
Other names: c.223T>C, p.Ser75Pro (NM_001347830.2); c.184T>C, p.Ser62Pro (NM_001347827.2, NM_001347829.2); c.259T>C, p.Ser87Pro (NM_001347828.2); short protein forms S62P, S75P, S87P.
Identifiers: ClinVar variation 1416447 (VCV001416447.8), dbSNP rs2110242350, ClinGen allele CA356888438.

ClinVar aggregate classification (germline): Uncertain significance (1 of 4 stars; one submission).

Conditions:
Gastrointestinal stromal tumor. Also called: Gastrointestinal stroma tumor; Gastrointestinal stromal tumor, somatic. Identifiers: Orphanet 44890, MedGen C0238198, MeSH D046152, MONDO:0011719, OMIM 606764, HP:0100723.

Submission:

Labcorp Genetics (formerly Invitae), Labcorp
Classification: Uncertain significance for Gastrointestinal stromal tumor. Last evaluated: 2021-03-24. Review status: criteria provided, single submitter. Criteria: Invitae Variant Classification Sherloc (09022015). Collection method: clinical testing. Allele origin: germline.
Comment: In summary, the available evidence is currently insufficient to determine the role of this variant in disease. Therefore, it has been classified as a Variant of Uncertain Significance. Algorithms developed to predict the effect of missense changes on protein structure and function (SIFT, PolyPhen-2, Align-GVGD) all suggest that this variant is likely to be tolerated, but these predictions have not been confirmed by published functional studies and their clinical significance is uncertain. This variant has not been reported in the literature in individuals with PDGFRA-related conditions. This variant is not present in population databases (ExAC no frequency). This sequence change replaces serine with proline at codon 62 of the PDGFRA protein (p.Ser62Pro). The serine residue is moderately conserved and there is a moderate physicochemical difference between serine and proline.